The following is an entry in ClinVar:

NM_000133.4(F9):c.59T>C (p.Leu20Ser)

Gene: F9 (coagulation factor IX; plus strand). Cytogenetic location: Xq27.1.
Variant type: single nucleotide variant.
Coding change: c.59T>C on transcript NM_000133.4 (MANE Select); coding-DNA position 59, T replaced by C.
Protein change: p.Leu20Ser; replaces leucine 20 with serine.
Molecular consequence: missense variant.
Genome position (GRCh38, 1-based): chrX:139,530,823, T>C. VCF-style: chrX-139530823-T-C. GRCh37 (hg19) VCF-style: chrX-138612982-T-C.
Other names: c.59T>C, p.Leu20Ser (NM_001313913.2); short protein forms L20S.
Identifiers: ClinVar variation 4783884 (VCV004783884.1).
Genomic context (GRCh38, chrX:139,530,823, plus strand): 5'-TTATGCAGCGCGTGAACATGATCATGGCAGAATCACCAGGCCTCATCACCATCTGCCTTT[T>C]AGGATATCTACTCAGTGCTGAATGTACAGGTTTGTTTCCTTTTTTAAAATACATTGAGTA-3'
Protein context (NP_000124.1, residues 10-30): ESPGLITICL[Leu20Ser]GYLLSAECTV

ClinVar aggregate classification (germline): Pathogenic (1 of 4 stars; one submission).

Conditions:
Hereditary factor IX deficiency disease (HEMB). Also called: Christmas Disease; F9 DEFICIENCY; FACTOR IX DEFICIENCY; PLASMA THROMBOPLASTIN COMPONENT DEFICIENCY; Hemophilia B. Identifiers: Orphanet 98879, MedGen C0008533, MeSH D002836, MONDO:0010604, OMIM 306900.
Thrombophilia, X-linked, due to factor 9 defect. Identifiers: MedGen C2749016, MONDO:0010432, OMIM 300807.

Submission:

Labcorp Genetics (formerly Invitae), Labcorp
Classification: Pathogenic for Thrombophilia, X-linked, due to factor 9 defect; Hereditary factor IX deficiency disease. Last evaluated: 2025-07-21. Review status: criteria provided, single submitter. Criteria: Invitae Variant Classification Sherloc (09022015). Collection method: clinical testing. Allele origin: germline.
Comment: This sequence change replaces leucine, which is neutral and non-polar, with serine, which is neutral and polar, at codon 20 of the F9 protein (p.Leu20Ser). This variant is not present in population databases (gnomAD no frequency). This missense change has been observed in individuals with Factor IX deficiency (hemophilia B) (PMID: 10874302, 25251685, 32875744, 36595620; internal data). This variant is also known as 88 T>C, L-27S. An algorithm developed to predict the effect of missense changes on protein structure and function outputs the following: PolyPhen-2: "Benign". The serine amino acid residue is found in multiple mammalian species, which suggests that this missense change does not adversely affect protein function. Experimental studies have shown that this missense change affects F9 function (PMID: 32766856). For these reasons, this variant has been classified as Pathogenic.

Literature cited by the submitters: PubMed 10874302; PubMed 25251685; PubMed 32875744; PubMed 36595620; PubMed 32766856.